The following is an entry in ClinVar:

NM_001110556.2(FLNA):c.1070C>G (p.Thr357Ser)

Gene: FLNA (filamin A; minus strand). Cytogenetic location: Xq28.
Variant type: single nucleotide variant.
Coding change: c.1070C>G on transcript NM_001110556.2 (MANE Select); coding-DNA position 1070, C replaced by G.
Protein change: p.Thr357Ser; replaces threonine 357 with serine.
Molecular consequence: missense variant.
Genome position (GRCh38, 1-based): chrX:154,366,466, G>C on the plus strand (C>G on the coding strand, the complement: FLNA is on the minus strand). VCF-style: chrX-154366466-G-C. GRCh37 (hg19) VCF-style: chrX-153594834-G-C.
Other names: c.1070C>G, p.Thr357Ser (NM_001456.4); short protein forms T357S.
Identifiers: ClinVar variation 2663035 (VCV002663035.1), dbSNP rs2522761329, ClinGen allele CA415246854.

ClinVar aggregate classification (germline): Uncertain significance (1 of 4 stars; one submission).

Submission:

GeneDx
Classification: Uncertain significance. Last evaluated: 2023-04-29. Review status: criteria provided, single submitter. Criteria: GeneDx Variant Classification Process June 2021. Collection method: clinical testing. Allele origin: germline. Affected: yes.
Comment: Not observed at significant frequency in large population cohorts (gnomAD); In silico analysis supports that this missense variant has a deleterious effect on protein structure/function; In silico analysis suggests this variant may impact gene splicing. In the absence of RNA/functional studies, the actual effect of this sequence change is unknown.; Has not been previously published as pathogenic or benign to our knowledge